The following is an entry in ClinVar:

NM_001286.5(CLCN6):c.1091G>A (p.Arg364Gln)

Gene: CLCN6 (chloride voltage-gated channel 6; plus strand). Cytogenetic location: 1p36.22.
Variant type: single nucleotide variant.
Coding change: c.1091G>A on transcript NM_001286.5 (MANE Select); coding-DNA position 1091, G replaced by A.
Protein change: p.Arg364Gln; replaces arginine 364 with glutamine.
Molecular consequence: missense variant. On other transcripts: non-coding transcript variant (1).
Genome position (GRCh38, 1-based): chr1:11,828,594, G>A. VCF-style: chr1-11828594-G-A. GRCh37 (hg19) VCF-style: chr1-11888651-G-A.
Other names: c.1025G>A, p.Arg342Gln (NM_001256959.2); short protein forms R364Q, R342Q.
Identifiers: ClinVar variation 1525669 (VCV001525669.8), dbSNP rs192222703, ClinGen allele CA596324.

ClinVar aggregate classification (germline): Uncertain significance (1 of 4 stars; one submission).

Allele frequency attached by ClinVar (database versions not stated): ExAC 0.00002; gnomAD exomes 0.00002; gnomAD 0.00003; TOPMed 0.00005; 1000 Genomes Project 0.00020; 1000 Genomes Project 30x 0.00031.
gnomAD v4.1: 30 of 1,613,008 alleles (0.0019%); highest among the groups gnomAD compares: East Asian, 0.0045%; no homozygotes.

Submission:

Labcorp Genetics (formerly Invitae), Labcorp
Classification: Uncertain significance. Last evaluated: 2026-02-02. Review status: criteria provided, single submitter. Criteria: Invitae Variant Classification Sherloc (09022015). Collection method: clinical testing. Allele origin: germline.
Comment: This sequence change replaces arginine, which is basic and polar, with glutamine, which is neutral and polar, at codon 364 of the CLCN6 protein (p.Arg364Gln). This variant is present in population databases (rs192222703, gnomAD 0.006%). This variant has not been reported in the literature in individuals affected with CLCN6-related conditions. ClinVar contains an entry for this variant (Variation ID: 1525669). An algorithm developed to predict the effect of missense changes on protein structure and function (PolyPhen-2) suggests that this variant is likely to be tolerated. In summary, the available evidence is currently insufficient to determine the role of this variant in disease. Therefore, it has been classified as a Variant of Uncertain Significance.